The following is an entry in ClinVar:

NM_003001.5(SDHC):c.308T>A (p.Val103Glu)

Gene: SDHC (succinate dehydrogenase complex subunit C; plus strand). Cytogenetic location: 1q23.3.
Variant type: single nucleotide variant.
Coding change: c.308T>A on transcript NM_003001.5 (MANE Select); coding-DNA position 308, T replaced by A.
Protein change: p.Val103Glu; replaces valine 103 with glutamic acid.
Molecular consequence: missense variant. On other transcripts: non-coding transcript variant (1), intron variant (3).
Genome position (GRCh38, 1-based): chr1:161,356,743, T>A. VCF-style: chr1-161356743-T-A. GRCh37 (hg19) VCF-style: chr1-161326533-T-A.
Other names: c.206T>A, p.Val69Glu (NM_001035512.3); c.149T>A, p.Val50Glu (NM_001035513.3); c.428T>A, p.Val143Glu (NM_001407115.1); c.251T>A, p.Val84Glu (NM_001407116.1); c.245T>A, p.Val82Glu (NM_001407117.1); c.200T>A, p.Val67Glu (NM_001407118.1); c.197T>A, p.Val66Glu (NM_001407119.1, NM_001407120.1); c.242-5586T>A (NM_001035511.3); and 2 more; short protein forms V67E, V143E, V50E, V69E, V84E, V103E, V66E, V82E.
Identifiers: ClinVar variation 2005575 (VCV002005575.6), dbSNP rs2526536541, ClinGen allele CA343456436.

ClinVar aggregate classification (germline): Uncertain significance. Review status: criteria provided, multiple submitters, no conflicts (2 of 4 stars). 2 submissions from 2 submitters: Uncertain significance (2). Last evaluated 2026-08-21.

Conditions:
Pheochromocytoma/paraganglioma syndrome 3. Also called: SDHC-Related Hereditary Paraganglioma-Pheochromocytoma Syndrome (Paragangliomas 3); SDHC-Related Hereditary Paraganglioma-Pheochromocytoma Syndrome; GLOMUS TUMORS, FAMILIAL, 3; Paragangliomas 3. Identifiers: Orphanet 29072, MedGen C1854336, MONDO:0011544, OMIM 605373.
Gastrointestinal stromal tumor. Also called: Gastrointestinal stroma tumor; Gastrointestinal stromal tumor, somatic. Identifiers: Orphanet 44890, MedGen C0238198, MeSH D046152, MONDO:0011719, OMIM 606764, HP:0100723.
Hereditary cancer-predisposing syndrome. Also called: Hereditary neoplastic syndrome; Neoplastic Syndromes, Hereditary; Tumor predisposition; Hereditary Cancer Syndrome. Identifiers: Orphanet 140162, MedGen C0027672, MeSH D009386, MONDO:0015356.

Allele frequency attached by ClinVar (database versions not stated): gnomAD exomes below 0.00001.
gnomAD v4.1: 1 of 1,614,090 alleles (0.000062%); highest among the groups gnomAD compares: Non-Finnish European, 0.000085%; no homozygotes.

Submissions (2):

Ambry Genetics
Classification: Uncertain significance for Hereditary cancer-predisposing syndrome. Last evaluated: 2026-08-21. Review status: criteria provided, single submitter. Criteria: Ambry Variant Classification Scheme 2023. Collection method: clinical testing. Allele origin: germline.
Comment: The p.V103E variant (also known as c.308T>A), located in coding exon 5 of the SDHC gene, results from a T to A substitution at nucleotide position 308. The valine at codon 103 is replaced by glutamic acid, an amino acid with dissimilar properties. This amino acid position is well conserved in available vertebrate species. In addition, this alteration is predicted to be deleterious by in silico analysis. Based on the available evidence, the clinical significance of this variant remains unclear.

Labcorp Genetics (formerly Invitae), Labcorp
Classification: Uncertain significance for Pheochromocytoma/paraganglioma syndrome 3; Gastrointestinal stromal tumor. Last evaluated: 2022-06-13. Review status: criteria provided, single submitter. Criteria: Invitae Variant Classification Sherloc (09022015). Collection method: clinical testing. Allele origin: germline.
Comment: Algorithms developed to predict the effect of missense changes on protein structure and function are either unavailable or do not agree on the potential impact of this missense change (SIFT: "Deleterious"; PolyPhen-2: "Possibly Damaging"; Align-GVGD: "Class C0"). This variant has not been reported in the literature in individuals affected with SDHC-related conditions. This variant is not present in population databases (gnomAD no frequency). This sequence change replaces valine, which is neutral and non-polar, with glutamic acid, which is acidic and polar, at codon 103 of the SDHC protein (p.Val103Glu). In summary, the available evidence is currently insufficient to determine the role of this variant in disease. Therefore, it has been classified as a Variant of Uncertain Significance.